The following is an entry in ClinVar:

NM_001142864.4(PIEZO1):c.5312C>T (p.Pro1771Leu)

Gene: PIEZO1 (piezo type mechanosensitive ion channel component 1 (Er blood group); minus strand). Cytogenetic location: 16q24.3.
Variant type: single nucleotide variant.
Coding change: c.5312C>T on transcript NM_001142864.4 (MANE Select); coding-DNA position 5312, C replaced by T.
Protein change: p.Pro1771Leu; replaces proline 1771 with leucine.
Molecular consequence: missense variant.
Genome position (GRCh38, 1-based): chr16:88,721,629, G>A on the plus strand (C>T on the coding strand, the complement: PIEZO1 is on the minus strand). VCF-style: chr16-88721629-G-A. GRCh37 (hg19) VCF-style: chr16-88788037-G-A.
Other names: p.Pro1771Leu; c.5312C>T (NM_001142864.2); short protein forms P1771L.
Identifiers: ClinVar variation 1406603 (VCV001406603.15), dbSNP rs202099525, ClinGen allele CA8231909.

ClinVar aggregate classification (germline): Conflicting classifications of pathogenicity. Review status: criteria provided, conflicting classifications (1 of 4 stars). 6 submissions from 6 submitters: Uncertain significance (5); Benign (1). Last evaluated 2025-12-19.

Conditions:
Inborn genetic diseases. Identifiers: MedGen C0950123, MeSH D030342.

Allele frequency attached by ClinVar (database versions not stated): 1000 Genomes Project 30x 0.00016; 1000 Genomes Project 0.00020; ExAC 0.00020; gnomAD exomes 0.00044; gnomAD 0.00047 and 0.00048; TOPMed 0.00051.
gnomAD v4.1: 1,169 of 1,550,260 alleles (0.075%); highest among the groups gnomAD compares: Non-Finnish European, 0.095%; 1 homozygote.

Submissions (6):

Labcorp Genetics (formerly Invitae), Labcorp
Classification: Benign. Last evaluated: 2025-12-19. Review status: criteria provided, single submitter. Criteria: Invitae Variant Classification Sherloc (09022015). Collection method: clinical testing. Allele origin: germline.

Center for Genomic Medicine, Rigshospitalet, Copenhagen University Hospital
Classification: Uncertain significance. Last evaluated: 2025-03-04. Review status: criteria provided, single submitter. Criteria: ACMG Guidelines, 2015. Collection method: clinical testing. Allele origin: germline.

Revvity Omics, Revvity
Classification: Uncertain significance. Last evaluated: 2024-08-01. Review status: criteria provided, single submitter. Criteria: ACMG Guidelines, 2015. Collection method: clinical testing. Allele origin: germline.

GeneDx
Classification: Uncertain significance. Last evaluated: 2023-09-18. Review status: criteria provided, single submitter. Criteria: GeneDx Variant Classification Process June 2021. Collection method: clinical testing. Allele origin: germline. Affected: yes.
Comment: In silico analysis supports that this missense variant has a deleterious effect on protein structure/function; Has not been previously reported in association with disease to our knowledge; This variant is associated with the following publications: (PMID: 34662886)

Mayo Clinic Laboratories, Mayo Clinic
Classification: Uncertain significance. Last evaluated: 2022-07-08. Review status: criteria provided, single submitter. Criteria: ACMG Guidelines, 2015. Collection method: clinical testing. Allele origin: germline. Observed: 1 variant allele.

Ambry Genetics
Classification: Uncertain significance for Inborn genetic diseases. Last evaluated: 2021-09-29. Review status: criteria provided, single submitter. Criteria: Ambry Variant Classification Scheme 2023. Collection method: clinical testing. Allele origin: germline.
Comment: Unlikely to be causative of Dehydrated hereditary stomatocytosis with or without pseudohyperkalemia and/or perinatal edema (AD) Based on insufficient or conflicting evidence, the clinical significance of this alteration remains unclear.